The following is an entry in ClinVar:

ClinVar aggregate classification (germline): Uncertain significance (1 of 4 stars; one submission).

Submission:

GeneDx
Classification: Uncertain significance. Last evaluated: 2026-04-17. Review status: criteria provided, single submitter. Criteria: GeneDx Variant Classification Process June 2021. Collection method: clinical testing. Allele origin: germline.
Comment: Not observed at significant frequency in large population cohorts (gnomAD); In silico analysis suggests that this missense variant does not alter protein structure/function; Has not been previously published as pathogenic or benign to our knowledge

NM_001379451.1(BCORL1):c.850C>T (p.Pro284Ser)

Gene: BCORL1 (BCL6 corepressor like 1; plus strand). Cytogenetic location: Xq26.1.
Variant type: single nucleotide variant.
Coding change: c.850C>T on transcript NM_001379451.1 (MANE Select); coding-DNA position 850, C replaced by T.
Protein change: p.Pro284Ser; replaces proline 284 with serine.
Molecular consequence: missense variant.
Genome position (GRCh38, 1-based): chrX:130,013,622, C>T. VCF-style: chrX-130013622-C-T. GRCh37 (hg19) VCF-style: chrX-129147598-C-T.
Other names: c.850C>T, p.Pro284Ser (NM_001184772.3, NM_001379450.1, NM_001441326.1 and 7 more transcripts); short protein forms P284S.
Identifiers: ClinVar variation 5037371 (VCV005037371.1).